The following is an entry in ClinVar:

ClinVar aggregate classification (germline): Uncertain significance. Review status: criteria provided, multiple submitters, no conflicts (2 of 4 stars). 5 submissions from 5 submitters: Uncertain significance (5). Last evaluated 2025-09-18.

Conditions:
Classic or attenuated familial adenomatous polyposis. Identifiers: MedGen CN372698, MONDO:0021057.
Hereditary cancer-predisposing syndrome. Also called: Hereditary neoplastic syndrome; Neoplastic Syndromes, Hereditary; Tumor predisposition; Hereditary Cancer Syndrome. Identifiers: Orphanet 140162, MedGen C0027672, MeSH D009386, MONDO:0015356.
Familial adenomatous polyposis 1 (FAP1). Also called: FAMILIAL ADENOMATOUS POLYPOSIS 1, ATTENUATED; POLYPOSIS, ADENOMATOUS INTESTINAL. Identifiers: MedGen C2713442, MONDO:0021056, OMIM 175100. Disease mechanism: loss of function.

gnomAD v4.1: 1 of 1,614,158 alleles (0.000062%); highest among the groups gnomAD compares: African/African-American, 0.0013%; no homozygotes.

Submissions (5):

Ambry Genetics
Classification: Uncertain significance for Hereditary cancer-predisposing syndrome. Last evaluated: 2025-09-18. Review status: criteria provided, single submitter. Criteria: Ambry Variant Classification Scheme 2023. Collection method: clinical testing. Allele origin: germline.
Comment: The p.Q1090H variant (also known as c.3270A>C), located in coding exon 15 of the APC gene, results from an A to C substitution at nucleotide position 3270. The glutamine at codon 1090 is replaced by histidine, an amino acid with highly similar properties. This amino acid position is well conserved in available vertebrate species. In addition, in silico predictors for this gene do not accurately predict pathogenicity. Since supporting evidence is limited at this time, the clinical significance of this alteration remains unclear.

Labcorp Genetics (formerly Invitae), Labcorp
Classification: Uncertain significance for Familial adenomatous polyposis 1. Last evaluated: 2024-07-06. Review status: criteria provided, single submitter. Criteria: Invitae Variant Classification Sherloc (09022015). Collection method: clinical testing. Allele origin: germline.
Comment: This sequence change replaces glutamine, which is neutral and polar, with histidine, which is basic and polar, at codon 1090 of the APC protein (p.Gln1090His). This variant is not present in population databases (gnomAD no frequency). This variant has not been reported in the literature in individuals affected with APC-related conditions. ClinVar contains an entry for this variant (Variation ID: 565565). Advanced modeling of protein sequence and biophysical properties (such as structural, functional, and spatial information, amino acid conservation, physicochemical variation, residue mobility, and thermodynamic stability) performed at Invitae indicates that this missense variant is not expected to disrupt APC protein function with a negative predictive value of 95%. In summary, the available evidence is currently insufficient to determine the role of this variant in disease. Therefore, it has been classified as a Variant of Uncertain Significance.

Color Diagnostics, LLC DBA Color Health
Classification: Uncertain significance for Hereditary cancer-predisposing syndrome. Last evaluated: 2024-03-06. Review status: criteria provided, single submitter. Criteria: ACMG Guidelines, 2015. Collection method: clinical testing. Allele origin: germline.
Comment: This variant is located in the APC protein. Computational prediction suggests that this variant may not impact protein structure and function (internally defined REVEL score threshold <= 0.5, PMID: 27666373). To our knowledge, functional studies have not been reported for this variant. This variant has not been reported in individuals affected with APC-related disorders in the literature. This variant has not been identified in the general population by the Genome Aggregation Database (gnomAD). The available evidence is insufficient to determine the role of this variant in disease conclusively. Therefore, this variant is classified as a Variant of Uncertain Significance.

Baylor Genetics
Classification: Uncertain significance for Familial adenomatous polyposis 1. Last evaluated: 2023-11-30. Review status: criteria provided, single submitter. Criteria: ACMG Guidelines, 2015. Collection method: clinical testing. Allele origin: unknown.

All of Us Research Program, National Institutes of Health
Classification: Uncertain significance for Classic or attenuated familial adenomatous polyposis. Last evaluated: 2023-09-17. Review status: criteria provided, single submitter. Criteria: ACMG Guidelines, 2015. Collection method: clinical testing. Allele origin: germline. Inheritance: Autosomal dominant inheritance. Observed: 1 variant allele, 1 heterozygote.
Comment: This missense variant replaces glutamine with histidine at codon 1090 of the APC protein. Computational prediction is inconclusive regarding the impact of this variant on protein structure and function (internally defined REVEL score threshold 0.5 < inconclusive < 0.7, PMID: 27666373). To our knowledge, functional studies have not been reported for this variant. This variant has not been reported in individuals affected with hereditary cancer in the literature. This variant has not been identified in the general population by the Genome Aggregation Database (gnomAD). The available evidence is insufficient to determine the role of this variant in disease conclusively. Therefore, this variant is classified as a Variant of Uncertain Significance.

This study involves interpretation of variants in research participants for the purpose of population health screening. Participant phenotype was not available at the time of variant classification. Additional details can be found in publication PMID: 35346344, PMCID: PMC8962531

NM_000038.6(APC):c.3270A>C (p.Gln1090His)

Gene: APC (APC regulator of Wnt signaling pathway; plus strand). Cytogenetic location: 5q22.2.
Variant type: single nucleotide variant.
Coding change: c.3270A>C on transcript NM_000038.6 (MANE Select); coding-DNA position 3270, A replaced by C.
Protein change: p.Gln1090His; replaces glutamine 1090 with histidine.
Molecular consequence: missense variant.
Genome position (GRCh38, 1-based): chr5:112,838,864, A>C. VCF-style: chr5-112838864-A-C. GRCh37 (hg19) VCF-style: chr5-112174561-A-C.
Other names: c.3270A>C, p.Gln1090His (NM_001127510.3, NM_001354895.2); c.3216A>C, p.Gln1072His (NM_001127511.3); c.3324A>C, p.Gln1108His (NM_001354896.2); c.3300A>C, p.Gln1100His (NM_001354897.2); c.3195A>C, p.Gln1065His (NM_001354898.2); c.3186A>C, p.Gln1062His (NM_001354899.2); c.3147A>C, p.Gln1049His (NM_001354900.2); c.3093A>C, p.Gln1031His (NM_001354901.2); and 5 more; short protein forms Q1090H, Q1072H, Q1049H, Q1065H, Q1100H, Q1062H, Q1108H, Q807H.
Identifiers: ClinVar variation 565565 (VCV000565565.20), dbSNP rs780818655, ClinGen allele CA16028511.
Genomic context (GRCh38, chr5:112,838,864, plus strand): 5'-TCAAAGTACAACTTATCCTGTTTATACTGAGAGCACTGATGATAAACACCTCAAGTTCCA[A>C]CCACATTTTGGACAGCAGGAATGTGTTTCTCCATACAGGTCACGGGGAGCCAATGGTTCA-3'
Protein context (NP_000029.2, residues 1080-1100): ESTDDKHLKF[Gln1090His]PHFGQQECVS